The following is an entry in ClinVar:

ClinVar aggregate classification (germline): Conflicting classifications of pathogenicity. Review status: criteria provided, conflicting classifications (1 of 4 stars). 4 submissions from 4 submitters: Likely pathogenic (2); Uncertain significance (1). 1 of the submissions does not count toward it. Last evaluated 2026-06-09.

Conditions:
GNE-related disorders.
GNE myopathy (NM). Also called: MYOPATHY, DISTAL, WITH OR WITHOUT RIMMED VACUOLES; INCLUSION BODY MYOPATHY, HEREDITARY, AUTOSOMAL RECESSIVE; INCLUSION BODY MYOPATHY 2, AUTOSOMAL RECESSIVE; IBM 2; Inclusion body myopathy autosomal recessive; Inclusion body myopathy quadriceps sparing. Identifiers: Orphanet 602, MedGen C1853926, MONDO:0011603, OMIM 605820.

Allele frequency attached by ClinVar (database versions not stated): gnomAD exomes below 0.00001; ExAC 0.00001.
gnomAD v4.1: 8 of 1,614,204 alleles (0.0005%); highest among the groups gnomAD compares: Non-Finnish European, 0.00059%; no homozygotes.

Submissions (4):

Myriad Genetics, Inc.
Classification: Uncertain significance for GNE myopathy. Last evaluated: 2026-06-09. Review status: criteria provided, single submitter. Criteria: Myriad Autosomal Dominant, Autosomal Recessive and X-Linked Classification Criteria (2023). Collection method: clinical testing. Allele origin: unknown.
Comment: NM_001128227.2(GNE):c.1003G>A(G335R) is a missense variant classified as a variant of uncertain significance in the context of GNE myopathy. G335R has been observed in cases with relevant disease (PMID: 24005727, 28403181). Relevant functional assessments of this variant are not available in the literature. G335R has not been observed in referenced population frequency databases. In summary, there is insufficient evidence to classify NM_001128227.2(GNE):c.1003G>A(G335R) as pathogenic or benign. Please note: this variant was assessed in the context of healthy population screening.

Blueprint Genetics
Classification: Likely pathogenic for GNE-related disorders. Last evaluated: 2024-10-30. Review status: criteria provided, single submitter. Criteria: ACMG Guidelines, 2015. Collection method: clinical testing. Allele origin: germline. Affected: yes. Observed: 2 variant alleles.

Baylor Genetics
Classification: Likely pathogenic for GNE myopathy. Last evaluated: 2024-03-08. Review status: criteria provided, single submitter. Criteria: ACMG Guidelines, 2015. Collection method: clinical testing. Allele origin: unknown.

Counsyl
Classification: Uncertain significance for GNE myopathy. Last evaluated: 2017-11-14. Review status: no assertion criteria provided. Collection method: clinical testing. Allele origin: unknown. Not counted in ClinVar's aggregate classification.

Literature cited by the submitters: PubMed 24005727 (cited by Myriad Genetics, Inc. and Counsyl); PubMed 28403181 (cited by Myriad Genetics, Inc. and Counsyl).

NM_005476.7(GNE):c.910G>A (p.Gly304Arg)

Gene: GNE (glucosamine (UDP-N-acetyl)-2-epimerase/N-acetylmannosamine kinase; minus strand). Cytogenetic location: 9p13.3.
Variant type: single nucleotide variant.
Coding change: c.910G>A on transcript NM_005476.7 (MANE Select); coding-DNA position 910, G replaced by A.
Protein change: p.Gly304Arg; replaces glycine 304 with arginine.
Molecular consequence: missense variant.
Genome position (GRCh38, 1-based): chr9:36,233,992, C>T on the plus strand (G>A on the coding strand, the complement: GNE is on the minus strand). VCF-style: chr9-36233992-C-T. GRCh37 (hg19) VCF-style: chr9-36233989-C-T.
Other names: c.1003G>A, p.Gly335Arg (NM_001128227.3); c.910G>A, p.Gly304Arg (NM_001190383.3); c.580G>A, p.Gly194Arg (NM_001190384.3); c.733G>A, p.Gly245Arg (NM_001190388.2, NM_001374798.1); c.757G>A, p.Gly253Arg (NM_001374797.1); short protein forms G335R, G304R, G194R, G245R, G253R.
Identifiers: ClinVar variation 554824 (VCV000554824.6), dbSNP rs755743750, ClinGen allele CA5056638.